The following is an entry in ClinVar:

NM_001042492.3(NF1):c.1089A>C (p.Pro363=)

Gene: NF1 (neurofibromin 1; plus strand). Cytogenetic location: 17q11.2.
Variant type: single nucleotide variant.
Coding change: c.1089A>C on transcript NM_001042492.3 (MANE Select); coding-DNA position 1089, A replaced by C.
Protein change: p.Pro363=; no amino-acid change (proline 363 retained).
Molecular consequence: synonymous variant.
Genome position (GRCh38, 1-based): chr17:31,201,063, A>C. VCF-style: chr17-31201063-A-C. GRCh37 (hg19) VCF-style: chr17-29528081-A-C.
Other names: c.1089A>C, p.Pro363= (NM_000267.4, NM_001128147.3).
Identifiers: ClinVar variation 1788351 (VCV001788351.6), dbSNP rs757508086, ClinGen allele CA499219379.
Genomic context (GRCh38, chr17:31,201,063, plus strand): 5'-TAAAGGCTTTTGTTTTCTGTTGGGGTTTTTATAGAACCTGCTTTTTAATCCAAGTAAGCC[A>C]TTCTCAAGAGGCAGTCAGCCTGCAGATGTGGATCTAATGATTGACTGCCTTGTTTCTTGC-3'
Protein context (NP_001035957.1, residues 353-373): LKNLLFNPSK[Pro363=]FSRGSQPADV

ClinVar aggregate classification (germline): Benign/Likely benign. Review status: criteria provided, multiple submitters, no conflicts (2 of 4 stars). 3 submissions from 3 submitters: Benign (1); Likely benign (2). Last evaluated 2026-09-28.

Conditions:
Cardiovascular phenotype. Identifiers: MedGen CN230736.
Hereditary cancer-predisposing syndrome. Also called: Hereditary neoplastic syndrome; Neoplastic Syndromes, Hereditary; Tumor predisposition; Hereditary Cancer Syndrome. Identifiers: Orphanet 140162, MedGen C0027672, MeSH D009386, MONDO:0015356.
Neurofibromatosis, type 1 (NF1). Also called: VON RECKLINGHAUSEN DISEASE; Peripheral type neurofibromatosis; NEUROFIBROMATOSIS, TYPE I, SOMATIC; Neurofibromatosis, type I. Identifiers: Orphanet 636, MedGen C0027831, MONDO:0018975, OMIM 162200. Disease mechanism: loss of function.

Submissions (3):

Myriad Genetics, Inc.
Classification: Benign for Neurofibromatosis, type 1. Last evaluated: 2026-09-28. Review status: criteria provided, single submitter. Criteria: Myriad Autosomal Dominant, Autosomal Recessive and X-Linked Classification Criteria (2023). Collection method: clinical testing. Allele origin: unknown.
Comment: This variant is considered benign. This variant is a silent/synonymous amino acid change and it is not expected to impact splicing.

Labcorp Genetics (formerly Invitae), Labcorp
Classification: Likely benign for Neurofibromatosis, type 1. Last evaluated: 2023-07-30. Review status: criteria provided, single submitter. Criteria: Invitae Variant Classification Sherloc (09022015). Collection method: clinical testing. Allele origin: germline.

Ambry Genetics
Classification: Likely benign for Cardiovascular phenotype; Hereditary cancer-predisposing syndrome. Last evaluated: 2022-04-21. Review status: criteria provided, single submitter. Criteria: Ambry Variant Classification Scheme 2023. Collection method: clinical testing. Allele origin: germline.